The following is an entry in ClinVar:

NM_194248.3(OTOF):c.55C>T (p.Arg19Trp)

Gene: OTOF (otoferlin; minus strand). Cytogenetic location: 2p23.3.
Variant type: single nucleotide variant.
Coding change: c.55C>T on transcript NM_194248.3 (MANE Select); coding-DNA position 55, C replaced by T.
Protein change: p.Arg19Trp; replaces arginine 19 with tryptophan.
Molecular consequence: missense variant.
Genome position (GRCh38, 1-based): chr2:26,558,517, G>A on the plus strand (C>T on the coding strand, the complement: OTOF is on the minus strand). VCF-style: chr2-26558517-G-A. GRCh37 (hg19) VCF-style: chr2-26781385-G-A.
Other names: c.55C>T, p.Arg19Trp (NM_001287489.2); short protein forms R19W.
Identifiers: ClinVar variation 179605 (VCV000179605.10), dbSNP rs727504985, ClinGen allele CA184765.
Genomic context (GRCh38, chr2:26,558,517, plus strand): 5'-AGAGCTGGCGTCCCTCTGAGACAGCGGCTTCCCTACCTCGGAAAGTCACTTTGGCGATCC[G>A]GTCGCCCCTGCCCCGCAGCTCCGAGACTGTCTTGAGGTGGATGAGCAAGGCCATGCTGGT-3'
Protein context (NP_919224.1, residues 9-29): TVSELRGRGD[Arg19Trp]IAKVTFRGQS

ClinVar aggregate classification (germline): Conflicting classifications of pathogenicity. Review status: criteria provided, conflicting classifications (1 of 4 stars). 4 submissions from 4 submitters: Uncertain significance (3); Likely benign (1). Last evaluated 2025-12-21.

Conditions:
Inborn genetic diseases. Identifiers: MedGen C0950123, MeSH D030342.

Allele frequency attached by ClinVar (database versions not stated): gnomAD 0.00001 and 0.00002; gnomAD exomes 0.00004; ExAC 0.00003; TOPMed 0.00005.
gnomAD v4.1: 34 of 1,613,780 alleles (0.0021%); highest among the groups gnomAD compares: Admixed American, 0.012%; no homozygotes.

Submissions (4):

Labcorp Genetics (formerly Invitae), Labcorp
Classification: Likely benign. Last evaluated: 2025-12-21. Review status: criteria provided, single submitter. Criteria: Invitae Variant Classification Sherloc (09022015). Collection method: clinical testing. Allele origin: germline.

Ambry Genetics
Classification: Uncertain significance for Inborn genetic diseases. Last evaluated: 2025-03-26. Review status: criteria provided, single submitter. Criteria: Ambry Variant Classification Scheme 2023. Collection method: clinical testing. Allele origin: germline.

GeneDx
Classification: Uncertain significance. Last evaluated: 2022-07-11. Review status: criteria provided, single submitter. Criteria: GeneDx Variant Classification Process June 2021. Collection method: clinical testing. Allele origin: germline. Affected: yes.
Comment: In silico analysis supports that this missense variant has a deleterious effect on protein structure/function; Has not been previously published as pathogenic or benign to our knowledge

Laboratory for Molecular Medicine, Mass General Brigham Personalized Medicine
Classification: Uncertain significance. Last evaluated: 2015-11-24. Review status: criteria provided, single submitter. Criteria: LMM Criteria. Collection method: clinical testing. Allele origin: germline. Observed: 2 variant alleles.
Comment: The p.Arg19Trp variant in OTOF has now been identified by our laboratory in 2 Hi spanic individuals with sensorineural hearing loss, neither of whom had a second OTOF variant, and has been identified in 4/121108 chromosomes (including 2/1157 2 Latino chromosomes) by the Exome Aggregation Consortium (ExAC). Although this variant has been seen in the general population, its frequency is not high enough to rule out a pathogenic role. Computational p rediction tools and conservation analysis suggest that this variant may impact t he protein, though this information is not predictive enough to determine pathog enicity. In summary, the clinical significance of the p.Arg19Trp variant is unce rtain.